The following is an entry in ClinVar:

NM_020458.4(TTC7A):c.1641+3G>C

Gene: TTC7A (tetratricopeptide repeat domain 7A; plus strand). Cytogenetic location: 2p21.
Variant type: single nucleotide variant.
Coding change: c.1641+3G>C on transcript NM_020458.4 (MANE Select); 3 bases into the intron after coding-DNA position 1641, G replaced by C.
Molecular consequence: intron variant.
Genome position (GRCh38, 1-based): chr2:47,024,362, G>C. VCF-style: chr2-47024362-G-C. GRCh37 (hg19) VCF-style: chr2-47251501-G-C.
Other names: c.1539+3G>C (NM_001288953.2); c.1641+3G>C (NM_001288951.2); c.579+3G>C (NM_001288955.2).
Identifiers: ClinVar variation 938035 (VCV000938035.28), dbSNP rs370452371, ClinGen allele CA1647778.
Genomic context (GRCh38, chr2:47,024,362, plus strand): 5'-GCCCAGTGACCCCCAGGTCATCCTCTATGTCTCGCTGCAGCTGGCCCTCGTCCGACAGGT[G>C]GGTTGTCCGTGTTCCTAACCCCCGGGTCCTCGGGGGCTGCTGATCTTCTCCTGGAAACCC-3'

ClinVar aggregate classification (germline): Uncertain significance. Review status: criteria provided, multiple submitters, no conflicts (2 of 4 stars). 2 submissions from 2 submitters: Uncertain significance (2). Last evaluated 2023-12-01.

Conditions:
Multiple gastrointestinal atresias. Also called: Multiple intestinal atresia; FAMILIAL INTESTINAL POLYATRESIA SYNDROME. Identifiers: Orphanet 2300, MedGen C0220744, MONDO:0009465.

Allele frequency attached by ClinVar (database versions not stated): ExAC 0.00009; gnomAD exomes 0.00011 and 0.00028; TOPMed 0.00016; ESP Exome Variant Server 0.00023.
gnomAD v4.1: 408 of 1,604,750 alleles (0.025%); highest among the groups gnomAD compares: Non-Finnish European, 0.034%; no homozygotes.

Submissions (3):

CeGaT Center for Human Genetics Tuebingen
Classification: Uncertain significance. Last evaluated: 2023-12-01. Review status: criteria provided, single submitter. Criteria: CeGaT Center For Human Genetics Tuebingen Variant Classification Criteria Version 2. Collection method: clinical testing. Allele origin: germline. Affected: yes. Observed: 1 variant allele.
Comment: TTC7A: PM2, BP4

Labcorp Genetics (formerly Invitae), Labcorp
Classification: Uncertain significance for Multiple gastrointestinal atresias. Last evaluated: 2022-09-13. Review status: criteria provided, single submitter. Criteria: Invitae Variant Classification Sherloc (09022015). Collection method: clinical testing. Allele origin: germline.
Comment: This sequence change falls in intron 14 of the TTC7A gene. It does not directly change the encoded amino acid sequence of the TTC7A protein. It affects a nucleotide within the consensus splice site. This variant is present in population databases (rs370452371, gnomAD 0.03%). This variant has not been reported in the literature in individuals affected with TTC7A-related conditions. ClinVar contains an entry for this variant (Variation ID: 938035). Variants that disrupt the consensus splice site are a relatively common cause of aberrant splicing (PMID: 17576681, 9536098). Algorithms developed to predict the effect of sequence changes on RNA splicing suggest that this variant may create or strengthen a splice site. In summary, the available evidence is currently insufficient to determine the role of this variant in disease. Therefore, it has been classified as a Variant of Uncertain Significance.

Dr. Peter K. Rogan Lab, Western University
No classification provided (evidence only). Condition: Uterine corpus endometrial carcinoma. Review status: no classification provided. Collection method: in vitro. Allele origin: not applicable. Functional consequence: retained intron. Not counted in ClinVar's aggregate classification.

Literature cited by the submitters: PubMed 17576681 (cited by Labcorp Genetics (formerly Invitae), Labcorp); PubMed 9536098 (cited by Labcorp Genetics (formerly Invitae), Labcorp).